The following is an entry in ClinVar:

ClinVar aggregate classification (germline): Uncertain significance (1 of 4 stars; one submission).

gnomAD v4.1: 22 of 1,610,176 alleles (0.0014%); highest among the groups gnomAD compares: Middle Eastern, 0.033%; no homozygotes.

Submission:

GeneDx
Classification: Uncertain significance. Last evaluated: 2025-04-01. Review status: criteria provided, single submitter. Criteria: GeneDx Variant Classification Process June 2021. Collection method: clinical testing. Allele origin: germline. Affected: yes.
Comment: In silico analysis supports that this missense variant has a deleterious effect on protein structure/function; Has not been previously published as pathogenic or benign to our knowledge

NM_001042545.2(LTBP4):c.3299G>A (p.Arg1100Gln)

Gene: LTBP4 (latent transforming growth factor beta binding protein 4; plus strand). Cytogenetic location: 19q13.2.
Variant type: single nucleotide variant.
Coding change: c.3299G>A on transcript NM_001042545.2 (MANE Select); coding-DNA position 3299, G replaced by A.
Protein change: p.Arg1100Gln; replaces arginine 1100 with glutamine.
Molecular consequence: missense variant.
Genome position (GRCh38, 1-based): chr19:40,622,482, G>A. VCF-style: chr19-40622482-G-A. GRCh37 (hg19) VCF-style: chr19-41128387-G-A.
Other names: c.3500G>A, p.Arg1167Gln (NM_001042544.1); c.3389G>A, p.Arg1130Gln (NM_003573.2); short protein forms R1100Q, R1130Q, R1167Q.
Identifiers: ClinVar variation 4278900 (VCV004278900.1).